The following is an entry in ClinVar:

NM_001267550.2(TTN):c.101068C>T (p.Pro33690Ser)

Genes: TTN (titin; minus strand), TTN-AS1 (TTN antisense RNA 1; plus strand). Cytogenetic location: 2q31.2.
Variant type: single nucleotide variant.
Coding change: c.101068C>T on transcript NM_001267550.2 (MANE Select); coding-DNA position 101068, C replaced by T.
Protein change: p.Pro33690Ser; replaces proline 33690 with serine.
Molecular consequence: missense variant.
Genome position (GRCh38, 1-based): chr2:178,535,547, G>A on the plus strand (C>T on the coding strand, the complement: TTN is on the minus strand). VCF-style: chr2-178535547-G-A. GRCh37 (hg19) VCF-style: chr2-179400274-G-A.
Other names: c.96145C>T, p.Pro32049Ser (NM_001256850.1); c.73873C>T, p.Pro24625Ser (NM_003319.4); c.93364C>T, p.Pro31122Ser (NM_133378.4); c.74248C>T, p.Pro24750Ser (NM_133432.3); c.74449C>T, p.Pro24817Ser (NM_133437.4); short protein forms P24817S, P32049S, P24750S, P31122S, P33690S, P24625S.
Identifiers: ClinVar variation 5006136 (VCV005006136.2).

ClinVar aggregate classification (germline): Uncertain significance (1 of 4 stars; one submission).

Conditions:
Hypertrophic cardiomyopathy 9. Also called: Familial hypertrophic cardiomyopathy 9. Identifiers: MedGen C1861065, MONDO:0013412, OMIM 613765.
Myopathy, myofibrillar, 9, with early respiratory failure (MFM9). Also called: Hereditary myopathy with early respiratory failure; EDSTROM MYOPATHY; MYOPATHY, PROXIMAL, WITH EARLY RESPIRATORY MUSCLE INVOLVEMENT; Myopathy, distal, with early respiratory failure, autosomal dominant. Identifiers: Orphanet 178464, Orphanet 34521, MedGen C1863599, MONDO:0011362, OMIM 603689.
Early-onset myopathy with fatal cardiomyopathy (CMYO5). Also called: CONGENITAL MYOPATHY 5 WITH CARDIOMYOPATHY; Salih Myopathy. Identifiers: Orphanet 289377, MedGen C2673677, MONDO:0012714, OMIM 611705. Disease mechanism: loss of function.
Autosomal recessive limb-girdle muscular dystrophy type 2J (LGMDR10). Also called: Limb-girdle muscular dystrophy, type 2J; MUSCULAR DYSTROPHY, LIMB-GIRDLE, AUTOSOMAL RECESSIVE 10. Identifiers: Orphanet 140922, MedGen C1837342, MONDO:0012127, OMIM 608807.
Dilated cardiomyopathy 1G (CMD1G). Identifiers: Orphanet 154, MedGen C1858763, MONDO:0011400, OMIM 604145.
Tibial muscular dystrophy (TMD). Also called: UDD MYOPATHY; Udd Distal Myopathy – Tibial Muscular Dystrophy; Tibial muscular dystrophy, tardive. Identifiers: Orphanet 609, MedGen C1838244, MONDO:0010870, OMIM 600334.

gnomAD v4.1: 1 of 1,613,834 alleles (0.000062%); highest among the groups gnomAD compares: Non-Finnish European, 0.000085%; no homozygotes.

Submission:

Juno Genomics, Hangzhou Juno Genomics, Inc
Classification: Uncertain significance for Tibial muscular dystrophy; Early-onset myopathy with fatal cardiomyopathy; Dilated cardiomyopathy 1G; Hypertrophic cardiomyopathy 9; Autosomal recessive limb-girdle muscular dystrophy type 2J; Myopathy, myofibrillar, 9, with early respiratory failure. Review status: criteria provided, single submitter. Criteria: ACMG Guidelines, 2015. Collection method: clinical testing. Allele origin: germline.
Comment: Absent from controls (or at extremely low frequency if recessive) in Genome Aggregation Database.;Missense variant in a gene that has a low rate of benign missense variation.;Multiple lines of computational evidence support a deleterious effect on the gene or gene product.